The following is an entry in ClinVar:

ClinVar aggregate classification (germline): Uncertain significance (1 of 4 stars; one submission).

gnomAD v4.1: 8 of 1,490,256 alleles (0.00054%); highest among the groups gnomAD compares: South Asian, 0.0088%; no homozygotes.

Submission:

Women's Health and Genetics/Laboratory Corporation of America, LabCorp
Classification: Uncertain significance. Last evaluated: 2024-12-10. Review status: criteria provided, single submitter. Criteria: LabCorp Variant Classification Summary - May 2015. Collection method: clinical testing. Allele origin: germline.
Comment: Variant summary: TRIO c.7196C>T (p.Ala2399Val) results in a non-conservative amino acid change in the encoded protein sequence. Four of five in-silico tools predict a benign effect of the variant on protein function. The frequency data for this variant in gnomAD is considered unreliable, as metrics indicate poor data quality at this position. To our knowledge, no occurrence of c.7196C>T in individuals affected with TRIO-Related Intellectual Disability and no experimental evidence demonstrating its impact on protein function have been reported. No submitters have cited clinical-significance assessments for this variant to ClinVar. Based on the evidence outlined above, the variant was classified as uncertain significance.

NM_007118.4(TRIO):c.7196C>T (p.Ala2399Val)

Gene: TRIO (trio Rho guanine nucleotide exchange factor; plus strand). Cytogenetic location: 5p15.2.
Variant type: single nucleotide variant.
Coding change: c.7196C>T on transcript NM_007118.4 (MANE Select); coding-DNA position 7196, C replaced by T.
Protein change: p.Ala2399Val; replaces alanine 2399 with valine.
Molecular consequence: missense variant.
Genome position (GRCh38, 1-based): chr5:14,487,824, C>T. VCF-style: chr5-14487824-C-T. GRCh37 (hg19) VCF-style: chr5-14487933-C-T.
Other names: short protein forms A2399V.
Identifiers: ClinVar variation 3768139 (VCV003768139.1).